The following is an entry in ClinVar:

ClinVar aggregate classification (germline): Likely benign. Review status: criteria provided, single submitter (1 of 4 stars). 2 submissions from 2 submitters: Likely benign (1). 1 of the submissions does not count toward it. Last evaluated 2025-03-01.

Conditions:
WNK1-related disorder. Also called: WNK1-related condition.
Pseudohypoaldosteronism type 2C (PHA2C). Also called: Pseudohypoaldosteronism Type IIC. Identifiers: Orphanet 757, Orphanet 88940, MedGen C1840391, MONDO:0013778, OMIM 614492.
Neuropathy, hereditary sensory and autonomic, type 2A (HSAN2A). Also called: WNK1-Related HSAN2 (HSAN2A); ACROOSTEOLYSIS, GIACCAI TYPE; ACROOSTEOLYSIS, NEUROGENIC; MORVAN DISEASE; HSAN IIA; NEUROPATHY, CONGENITAL SENSORY. Identifiers: Orphanet 970, MedGen C2752089, MONDO:0024309, OMIM 201300.

Allele frequency attached by ClinVar (database versions not stated): ExAC 0.00001; gnomAD 0.00001; gnomAD exomes 0.00001.
gnomAD v4.1: 10 of 1,614,176 alleles (0.00062%); highest among the groups gnomAD compares: Middle Eastern, 0.066%; no homozygotes.

Submissions (2):

Labcorp Genetics (formerly Invitae), Labcorp
Classification: Likely benign for Neuropathy, hereditary sensory and autonomic, type 2A; Pseudohypoaldosteronism type 2C. Last evaluated: 2025-03-01. Review status: criteria provided, single submitter. Criteria: Invitae Variant Classification Sherloc (09022015). Collection method: clinical testing. Allele origin: germline.

PreventionGenetics, part of Exact Sciences
Classification: Likely benign for WNK1-related condition. Last evaluated: 2021-06-23. Review status: no assertion criteria provided. Collection method: clinical testing. Allele origin: germline. Not counted in ClinVar's aggregate classification.
Comment: This variant is classified as likely benign based on ACMG/AMP sequence variant interpretation guidelines (Richards et al. 2015 PMID: 25741868, with internal and published modifications).

NM_018979.4(WNK1):c.4503A>G (p.Thr1501=)

Gene: WNK1 (WNK lysine deficient protein kinase 1; plus strand). Cytogenetic location: 12p13.33.
Variant type: single nucleotide variant.
Coding change: c.4503A>G on transcript NM_018979.4 (MANE Select); coding-DNA position 4503, A replaced by G.
Protein change: p.Thr1501=; no amino-acid change (threonine 1501 retained).
Molecular consequence: synonymous variant.
Genome position (GRCh38, 1-based): chr12:885,307, A>G. VCF-style: chr12-885307-A-G. GRCh37 (hg19) VCF-style: chr12-994473-A-G.
Other names: c.5283A>G, p.Thr1761= (NM_001184985.2); c.3762A>G, p.Thr1254= (NM_014823.3); c.5259A>G, p.Thr1753= (NM_213655.5).
Identifiers: ClinVar variation 3029425 (VCV003029425.3), dbSNP rs56107487, ClinGen allele CA6382986.